The following is an entry in ClinVar:

NM_000143.4(FH):c.1391G>A (p.Gly464Glu)

Gene: FH (fumarate hydratase; minus strand). Cytogenetic location: 1q43.
Variant type: single nucleotide variant.
Coding change: c.1391G>A on transcript NM_000143.4 (MANE Select); coding-DNA position 1391, G replaced by A.
Protein change: p.Gly464Glu; replaces glycine 464 with glutamic acid.
Molecular consequence: missense variant.
Genome position (GRCh38, 1-based): chr1:241,497,970, C>T on the plus strand (G>A on the coding strand, the complement: FH is on the minus strand). VCF-style: chr1-241497970-C-T. GRCh37 (hg19) VCF-style: chr1-241661270-C-T.
Other names: short protein forms G464E.
Identifiers: ClinVar variation 429189 (VCV000429189.8), dbSNP rs1131691250, ClinGen allele CA345451186.
Genomic context (GRCh38, chr1:241,497,970, plus strand): 5'-TCCTTTAAGGTTGATCCATTTTTGTGTGCTGTCTTAGCAATCTTTGCTGCCTTGTCATAC[C>T]CTGAAGAAAAAATAAAAAGACGACATATGGGTTAGCAGTGATATTTGGTTTCCTAAAGCA-3'
Protein context (NP_000134.2, residues 454-474): MLVTALNPHI[Gly464Glu]YDKAAKIAKT

ClinVar aggregate classification (germline): Uncertain significance. Review status: criteria provided, multiple submitters, no conflicts (2 of 4 stars). 3 submissions from 3 submitters: Uncertain significance (3). Last evaluated 2026-03-26.

Conditions:
Hereditary cancer-predisposing syndrome. Also called: Hereditary Cancer Syndrome; Tumor predisposition; Hereditary neoplastic syndrome; Neoplastic Syndromes, Hereditary. Identifiers: Orphanet 140162, MedGen C0027672, MeSH D009386, MONDO:0015356.

Submissions (3):

Ambry Genetics
Classification: Uncertain significance for Hereditary cancer-predisposing syndrome. Last evaluated: 2026-03-26. Review status: criteria provided, single submitter. Criteria: Ambry Variant Classification Scheme 2023. Collection method: clinical testing. Allele origin: germline.
Comment: The p.G464E variant (also known as c.1391G>A) is located in coding exon 10 of the FH gene. The glycine at codon 464 is replaced by glutamic acid, an amino acid with similar properties. This change occurs in the first base pair of coding exon 10. This amino acid position is highly conserved in available vertebrate species. In addition, this alteration is predicted to be deleterious by in silico analysis. Based on the available evidence, the clinical significance of this variant remains unclear.

Labcorp Genetics (formerly Invitae), Labcorp
Classification: Uncertain significance. Last evaluated: 2025-11-05. Review status: criteria provided, single submitter. Criteria: Invitae Variant Classification Sherloc (09022015). Collection method: clinical testing. Allele origin: germline.
Comment: This sequence change replaces glycine, which is neutral and non-polar, with glutamic acid, which is acidic and polar, at codon 464 of the FH protein (p.Gly464Glu). This variant is not present in population databases (gnomAD no frequency). This variant has not been reported in the literature in individuals affected with FH-related conditions. ClinVar contains an entry for this variant (Variation ID: 429189). An algorithm developed to predict the effect of missense changes on protein structure and function (PolyPhen-2) suggests that this variant is likely to be disruptive. In summary, the available evidence is currently insufficient to determine the role of this variant in disease. Therefore, it has been classified as a Variant of Uncertain Significance.

Center for Genomic Medicine, Rigshospitalet, Copenhagen University Hospital
Classification: Uncertain significance. Last evaluated: 2025-03-04. Review status: criteria provided, single submitter. Criteria: ACMG Guidelines, 2015. Collection method: clinical testing. Allele origin: germline.